The following is an entry in ClinVar:

ClinVar aggregate classification (germline): Uncertain significance. Review status: criteria provided, multiple submitters, no conflicts (2 of 4 stars). 4 submissions from 4 submitters: Uncertain significance (4). Last evaluated 2025-07-17.

Conditions:
von Willebrand disease type 1 (VWD1). Also called: VON WILLEBRAND DISEASE, TYPE I; VWD, TYPE 1. Identifiers: Orphanet 166078, Orphanet 903, MedGen C1264039, MONDO:0008668, OMIM 193400. Inheritance: autosomal recessive or autosomal dominant.
von Willebrand disease type 3 (VWD3). Also called: Type 3 Von Willebrand's disease; Type 3 VWD; Von Willebrand disease, severe form; V WD3; VON WILLEBRAND DISEASE, TYPE III. Identifiers: Orphanet 166096, MedGen C1264041, MONDO:0010191, OMIM 277480.
von Willebrand disease type 2 (VWD2). Also called: VON WILLEBRAND DISEASE, TYPE II; VON WILLEBRAND DISEASE, TYPE 2A/IIE; VON WILLEBRAND DISEASE, TYPE 2CB; VWD, TYPE 2. Identifiers: Orphanet 166081, Orphanet 903, MedGen C1264040, MONDO:0013304, OMIM 613554.

Allele frequency attached by ClinVar (database versions not stated): gnomAD 0.00005; TOPMed 0.00011; gnomAD exomes 0.00033 and 0.00015; ExAC 0.00027.
gnomAD v4.1: 95 of 1,614,054 alleles (0.0059%); highest among the groups gnomAD compares: Admixed American, 0.16%; no homozygotes.

Submissions (4):

3billion
Classification: Uncertain significance for von Willebrand disease type 3. Last evaluated: 2025-07-17. Review status: criteria provided, single submitter. Criteria: ACMG Guidelines, 2015. Collection method: clinical testing. Allele origin: germline. Affected: yes.
Comment: The variant is observed at an extremely low frequency in the gnomAD v4.1.0 dataset (total allele frequency: 0.006%). Predicted Consequence/Location: Missense variant The variant has been reported as of uncertain significance (ClinVar ID: VCV000439321). Therefore, this variant is classified as VUS according to the recommendation of ACMG/AMP guideline.

ARUP Laboratories, Molecular Genetics and Genomics, ARUP Laboratories
Classification: Uncertain significance. Last evaluated: 2024-11-01. Review status: criteria provided, single submitter. Criteria: ARUP Molecular Germline Variant Investigation Process 2024. Collection method: clinical testing. Allele origin: germline.
Comment: The VWF c.1205G>A; p.Arg402Lys variant (rs779082753), to our knowledge, is not reported in the medical literature but is reported in ClinVar (Variation ID: 439321). This variant is found in the Admixed American population with an allele frequency of 0.24% (85/35,402 alleles) in the Genome Aggregation Database (v2.1.1). Computational analyses predict that this variant is neutral (REVEL: 0.078). However, given the lack of clinical and functional data, the significance of this variant is uncertain at this time.

Fulgent Genetics
Classification: Uncertain significance for von Willebrand disease type 1; von Willebrand disease type 3; von Willebrand disease type 2. Last evaluated: 2021-10-21. Review status: criteria provided, single submitter. Criteria: ACMG Guidelines, 2015. Collection method: clinical testing. Allele origin: unknown.

Quest Diagnostics Nichols Institute San Juan Capistrano
Classification: Uncertain significance. Last evaluated: 2017-05-15. Review status: criteria provided, single submitter. Criteria: Quest Diagnostics criteria. Collection method: clinical testing. Allele origin: germline.

NM_000552.5(VWF):c.1205G>A (p.Arg402Lys)

Gene: VWF (von Willebrand factor; minus strand). Cytogenetic location: 12p13.31.
Variant type: single nucleotide variant.
Coding change: c.1205G>A on transcript NM_000552.5 (MANE Select); coding-DNA position 1205, G replaced by A.
Protein change: p.Arg402Lys; replaces arginine 402 with lysine.
Molecular consequence: missense variant.
Genome position (GRCh38, 1-based): chr12:6,065,225, C>T on the plus strand (G>A on the coding strand, the complement: VWF is on the minus strand). VCF-style: chr12-6065225-C-T. GRCh37 (hg19) VCF-style: chr12-6174391-C-T.
Other names: short protein forms R402K.
Identifiers: ClinVar variation 439321 (VCV000439321.5), dbSNP rs779082753, ClinGen allele CA6403498.